The following is an entry in ClinVar:

ClinVar aggregate classification (germline): Pathogenic (1 of 4 stars; one submission).

Conditions:
Peroxisome biogenesis disorder. Identifiers: Orphanet 79189, MedGen C1832200, MONDO:0019234. Disease mechanism: loss of function.

Allele frequency attached by ClinVar (database versions not stated): gnomAD exomes below 0.00001.

Submission:

Labcorp Genetics (formerly Invitae), Labcorp
Classification: Pathogenic for Peroxisome biogenesis disorder. Last evaluated: 2021-11-08. Review status: criteria provided, single submitter. Criteria: Invitae Variant Classification Sherloc (09022015). Collection method: clinical testing. Allele origin: germline.
Comment: This sequence change creates a premature translational stop signal (p.Gln219Argfs*27) in the PEX6 gene. It is expected to result in an absent or disrupted protein product. Loss-of-function variants in PEX6 are known to be pathogenic (PMID: 8670792, 19877282, 21031596). This variant is not present in population databases (gnomAD no frequency). This premature translational stop signal has been observed in individual(s) with Zellweger syndrome (PMID: 19877282). ClinVar contains an entry for this variant (Variation ID: 958409). For these reasons, this variant has been classified as Pathogenic.

Literature cited by the submitters: PubMed 8670792; PubMed 19877282; PubMed 21031596.

NM_000287.4(PEX6):c.656del (p.Gln219fs)

Gene: PEX6 (peroxisomal biogenesis factor 6; minus strand). Cytogenetic location: 6p21.1.
Variant type: Deletion.
Coding change: c.656del on transcript NM_000287.4 (MANE Select); coding-DNA position 656, one base deleted (A; older notation c.656delA).
Protein change: p.Gln219fs; shifts the reading frame from glutamine 219.
Molecular consequence: frameshift variant. On other transcripts: intron variant (1), non-coding transcript variant (1).
Genome position (GRCh38, 1-based): chr6:42,978,495, T deleted on the plus strand (A on the coding strand, the reverse complement: PEX6 is on the minus strand). VCF-style (leftmost placement, unchanged base first): chr6-42978494-CT-C. GRCh37 (hg19) VCF-style: chr6-42946232-CT-C.
Other names: c.618+38del (NM_001316313.2); short protein forms Q219fs.
Identifiers: ClinVar variation 958409 (VCV000958409.8), dbSNP rs267608202, ClinGen allele CA138237913.